The following is an entry in ClinVar:

ClinVar aggregate classification (germline): Likely pathogenic (1 of 4 stars; one submission).

Conditions:
Fabry disease. Also called: ALPHA-GALACTOSIDASE A DEFICIENCY; ANDERSON-FABRY DISEASE; CERAMIDE TRIHEXOSIDASE DEFICIENCY; GLA DEFICIENCY; HEREDITARY DYSTOPIC LIPIDOSIS; Angiokeratoma corporis diffusum. Identifiers: Orphanet 324, MedGen C0002986, MONDO:0010526, OMIM 301500, HP:0001071. Disease mechanism: Fabry disease is due to inactivating mutations in the X-linked GLA gene resulting in deficiency of the enzyme Alpha Galactosidase-A., loss of function.

Submission:

Genomenon, Inc
Classification: Likely pathogenic for Fabry disease. Last evaluated: 2026-09-08. Review status: criteria provided, single submitter. Criteria: Genomenon Sequence Variant Interpretation Standards - Updated. Collection method: curation. Allele origin: germline. Affected: yes.
Comment: GLA p.Gln321His (c.963G>C) is a missense variant that changes the amino acid at codon 321 from Glutamine to Histidine. This variant has been observed in at least one proband with clinical features consistent with Fabry disease (PMID:32583479). At least one functional study has demonstrated a substantial alteration in protein function relative to the wild-type (PMID:32023956;27657681;23935525). It is absent or not present at a significant frequency in gnomAD. In silico models predict that this variant is possibly or probably damaging. In conclusion, we classify GLA p.Gln321His (c.963G>C) as a likely pathogenic variant.

Literature cited by the submitters: PubMed 32583479; PubMed 32023956; PubMed 27657681; PubMed 23935525.

NM_000169.3(GLA):c.963G>C (p.Gln321His)

Genes: GLA (galactosidase alpha; minus strand), RPL36A-HNRNPH2 (RPL36A-HNRNPH2 readthrough; plus strand). Cytogenetic location: Xq22.1.
Variant type: single nucleotide variant.
Coding change: c.963G>C on transcript NM_000169.3 (MANE Select); coding-DNA position 963, G replaced by C.
Protein change: p.Gln321His; replaces glutamine 321 with histidine.
Molecular consequence: missense variant. On other transcripts: non-coding transcript variant (3), intron variant (2).
Genome position (GRCh38, 1-based): chrX:101,398,406, C>G on the plus strand (G>C on the coding strand, the complement: GLA is on the minus strand). VCF-style: chrX-101398406-C-G. GRCh37 (hg19) VCF-style: chrX-100653394-C-G.
Other names: c.1086G>C, p.Gln362His (NM_001406747.1); c.963G>C, p.Gln321His (NM_001406748.1); c.300+2949C>G (NM_001199973.2); c.177+6584C>G (NM_001199974.2); short protein forms Q321H, Q362H.
Identifiers: ClinVar variation 4087603 (VCV004087603.2).